The following is an entry in ClinVar:

ClinVar aggregate classification (germline): Uncertain significance (1 of 4 stars; one submission).

Conditions:
Hereditary cancer-predisposing syndrome. Also called: Neoplastic Syndromes, Hereditary; Hereditary Cancer Syndrome; Hereditary neoplastic syndrome; Tumor predisposition. Identifiers: Orphanet 140162, MedGen C0027672, MeSH D009386, MONDO:0015356.

Submission:

Ambry Genetics
Classification: Uncertain significance for Hereditary cancer-predisposing syndrome. Last evaluated: 2023-03-31. Review status: criteria provided, single submitter. Criteria: Ambry Variant Classification Scheme 2023. Collection method: clinical testing. Allele origin: germline.
Comment: The p.P1042S variant (also known as c.3124C>T), located in coding exon 26 of the TSC2 gene, results from a C to T substitution at nucleotide position 3124. The proline at codon 1042 is replaced by serine, an amino acid with similar properties. This amino acid position is conserved. In addition, this alteration is predicted to be deleterious by in silico analysis. Since supporting evidence is limited at this time, the clinical significance of this alteration remains unclear.

NM_000548.5(TSC2):c.3124C>T (p.Pro1042Ser)

Gene: TSC2 (TSC complex subunit 2; plus strand). Cytogenetic location: 16p13.3.
Variant type: single nucleotide variant.
Coding change: c.3124C>T on transcript NM_000548.5 (MANE Select); coding-DNA position 3124, C replaced by T.
Protein change: p.Pro1042Ser; replaces proline 1042 with serine.
Molecular consequence: missense variant. On other transcripts: non-coding transcript variant (5).
Genome position (GRCh38, 1-based): chr16:2,079,189, C>T. VCF-style: chr16-2079189-C-T. GRCh37 (hg19) VCF-style: chr16-2129190-C-T.
Other names: c.2992C>T, p.Pro998Ser (NM_001077183.3, NM_001370404.1, NM_001406665.1); c.3124C>T, p.Pro1042Ser (NM_001114382.3); c.2884C>T, p.Pro962Ser (NM_001318827.2); c.2848C>T, p.Pro950Ser (NM_001318829.2); c.2392C>T, p.Pro798Ser (NM_001318831.2, NM_001406687.1, NM_001406688.1); c.3025C>T, p.Pro1009Ser (NM_001318832.2); c.2995C>T, p.Pro999Ser (NM_001363528.2, NM_001370405.1, NM_021055.3); c.3121C>T, p.Pro1041Ser (NM_001406663.1, NM_001406664.1); and 18 more; short protein forms P1028S, P551S, P594S, P799S, P841S, P842S, P950S, P962S.
Identifiers: ClinVar variation 2564626 (VCV002564626.2), dbSNP rs2151434980, ClinGen allele CA394284961.